The following is an entry in ClinVar:

NM_001127464.2(ZNF469):c.7554del (p.Ser2519Alafs)

Gene: ZNF469 (zinc finger protein 469; plus strand). Cytogenetic location: 16q24.2.
Variant type: Deletion.
Coding change: c.7554del on transcript NM_001127464.2; coding-DNA position 7554, one base deleted (C; older notation c.7554delC).
Protein change: p.Ser2519Alafs; shifts the reading frame from serine 2519.
Molecular consequence: frameshift variant (on NM_001367624.2).
Genome position (GRCh38, 1-based): chr16:88,435,108, C deleted; the last of 4 consecutive C bases (chr16:88,435,105-88,435,108); deleting any one gives the same sequence. VCF-style (leftmost placement, unchanged base first): chr16-88435104-AC-A. GRCh37 (hg19) VCF-style: chr16-88501512-AC-A.
Other names: NM_001127464.1:c.7554delC; NM_001127464.1:c.7554del; c.7638del, p.Ser2547fs (NM_001367624.2); short protein forms S2547fs.
Identifiers: ClinVar variation 265490 (VCV000265490.15), dbSNP rs886039575, ClinGen allele CA10588629.

ClinVar aggregate classification (germline): Pathogenic/Likely pathogenic. Review status: criteria provided, multiple submitters, no conflicts (2 of 4 stars). 5 submissions from 5 submitters: Pathogenic (2); Likely pathogenic (3). Last evaluated 2024-10-29.

Conditions:
Cardiovascular phenotype. Identifiers: MedGen CN230736.
ZNF469-related disorder. Also called: ZNF469-related condition.

Submissions (5):

Ambry Genetics
Classification: Likely pathogenic for Cardiovascular phenotype. Last evaluated: 2024-10-29. Review status: criteria provided, single submitter. Criteria: Ambry Variant Classification Scheme 2023. Collection method: clinical testing. Allele origin: germline.
Comment: The c.7554delC variant, located in coding exon 2 of the ZNF469 gene, results from a deletion of one nucleotide at nucleotide position 7554, causing a translational frameshift with a predicted alternate stop codon (p.S2519Afs*37). This alteration occurs at the 3' terminus of theZNF469 gene, is not expected to trigger nonsense-mediated mRNA decay, and only impacts the last 35% of the protein. However, premature stop codons are typically deleterious in nature and a significant portion of the protein is affected (Ambry internal data). This variant is considered to be rare based on population cohorts in the Genome Aggregation Database (gnomAD). Based on the majority of available evidence to date, this variant is likely to be pathogenic.

GeneDx
Classification: Likely pathogenic. Last evaluated: 2024-02-21. Review status: criteria provided, single submitter. Criteria: GeneDx Variant Classification Process June 2021. Collection method: clinical testing. Allele origin: germline. Affected: yes.
Comment: Has not been previously published as pathogenic or benign to our knowledge; Frameshift variant predicted to result in abnormal protein length as the last 1407 amino acids are replaced with 36 different amino acids, and other similar variants have been reported in HGMD; Not observed in large population cohorts (gnomAD)

Labcorp Genetics (formerly Invitae), Labcorp
Classification: Pathogenic. Last evaluated: 2022-12-17. Review status: criteria provided, single submitter. Criteria: Invitae Variant Classification Sherloc (09022015). Collection method: clinical testing. Allele origin: germline.
Comment: This variant disrupts a region of the ZNF469 protein in which other variant(s) (p.Arg3414Glyfs*59) have been determined to be pathogenic (PMID: 32671420). This suggests that this is a clinically significant region of the protein, and that variants that disrupt it are likely to be disease-causing. For these reasons, this variant has been classified as Pathogenic. ClinVar contains an entry for this variant (Variation ID: 265490). This variant has not been reported in the literature in individuals affected with ZNF469-related conditions. This variant is not present in population databases (gnomAD no frequency). This sequence change creates a premature translational stop signal (p.Ser2519Alafs*37) in the ZNF469 gene. While this is not anticipated to result in nonsense mediated decay, it is expected to disrupt the last 1407 amino acid(s) of the ZNF469 protein.

Blueprint Genetics
Classification: Likely pathogenic for ZNF469-related disorders. Last evaluated: 2019-06-23. Review status: criteria provided, single submitter. Criteria: ACMG Guidelines, 2015. Collection method: clinical testing. Allele origin: germline. Affected: yes. Observed: 1 variant allele.

Eurofins Ntd Llc (ga)
Classification: Pathogenic. Last evaluated: 2016-10-12. Review status: criteria provided, single submitter. Criteria: EGL Classification Definitions 2015. Collection method: clinical testing. Allele origin: germline. Observed: 1 variant allele, 1 heterozygote.

Literature cited by the submitters: PubMed 32671420 (cited by Labcorp Genetics (formerly Invitae), Labcorp).